The following is an entry in ClinVar:

ClinVar aggregate classification (germline): Uncertain significance. Review status: criteria provided, multiple submitters, no conflicts (2 of 4 stars). 2 submissions from 2 submitters: Uncertain significance (2). Last evaluated 2026-04-14.

Conditions:
Trichothiodystrophy 1, photosensitive (TTD1). Also called: TAY SYNDROME; TRICHOTHIODYSTROPHY WITH CONGENITAL ICHTHYOSIS; PIBIDS SYNDROME. Identifiers: Orphanet 33364, MedGen C1866504, MONDO:0011125, OMIM 601675.

Submissions (2):

Women's Health and Genetics/Laboratory Corporation of America, LabCorp
Classification: Uncertain significance. Last evaluated: 2026-04-14. Review status: criteria provided, single submitter. Criteria: LabCorp Variant Classification Summary - May 2015. Collection method: clinical testing. Allele origin: germline.

Baylor Genetics
Classification: Uncertain significance for Trichothiodystrophy 1, photosensitive. Last evaluated: 2022-01-11. Review status: criteria provided, single submitter. Criteria: ACMG Guidelines, 2015. Collection method: clinical testing. Allele origin: unknown. Affected: yes. Study: CSER-TexasKidsCanSeq.
Comment: This variant was determined to be of uncertain significance according to ACMG Guidelines, 2015 [PMID:25741868].

NM_000400.4(ERCC2):c.1118+4C>T

Gene: ERCC2 (ERCC excision repair 2, TFIIH core complex helicase subunit; minus strand). Cytogenetic location: 19q13.32.
Variant type: single nucleotide variant.
Coding change: c.1118+4C>T on transcript NM_000400.4 (MANE Select); 4 bases into the intron after coding-DNA position 1118, C replaced by T.
Molecular consequence: intron variant.
Genome position (GRCh38, 1-based): chr19:45,363,739, G>A on the plus strand (C>T on the coding strand, the complement: ERCC2 is on the minus strand). VCF-style: chr19-45363739-G-A. GRCh37 (hg19) VCF-style: chr19-45866997-G-A.
Other names: c.1046+4C>T (NM_001130867.2).
Identifiers: ClinVar variation 1341336 (VCV001341336.2), dbSNP rs762719901, ClinGen allele CA633480686.
Genomic context (GRCh38, chr19:45,363,739, plus strand): 5'-GGACACGGCTCTGCATAACCGGGACCTGCCGGGCCCCCACCCCGCGCGCTGTCTGGGGCC[G>A]CACCTGAGGGGCTTGCGCTGGATGCACACGCGCTGGGCCAGGCCGCTCAGGAAGGCGGGC-3'